The following is an entry in ClinVar:

ClinVar aggregate classification (germline): Benign/Likely benign. Review status: criteria provided, multiple submitters, no conflicts (2 of 4 stars). 9 submissions from 9 submitters: Benign (4); Likely benign (4). 1 of the submissions does not count toward it. Last evaluated 2026-06-01.

Conditions:
PHKB-related disorder. Also called: PHKB-related condition.
Glycogen storage disease IXb (GSD9B). Also called: PHOSPHORYLASE KINASE DEFICIENCY OF LIVER AND MUSCLE, AUTOSOMAL RECESSIVE; GLYCOGENOSIS OF LIVER AND MUSCLE, AUTOSOMAL RECESSIVE; GSD IXb. Identifiers: Orphanet 79240, MedGen C0543514, MONDO:0009868, OMIM 261750.

Allele frequency attached by ClinVar (database versions not stated): 1000 Genomes Project 30x 0.00094; 1000 Genomes Project 0.00100; TOPMed 0.00325; ESP Exome Variant Server 0.00369; gnomAD 0.00383 and 0.00406; gnomAD exomes 0.00459 and 0.00460; ExAC 0.00483.
gnomAD v4.1: 7,043 of 1,567,224 alleles (0.45%); highest among the groups gnomAD compares: Non-Finnish European, 0.51%; 18 homozygotes.

Submissions (9):

CeGaT Center for Human Genetics Tuebingen
Classification: Benign. Last evaluated: 2026-06-01. Review status: criteria provided, single submitter. Criteria: CeGaT Center For Human Genetics Tuebingen Variant Classification Criteria Version 2. Collection method: clinical testing. Allele origin: germline. Affected: yes. Observed: 27 variant alleles.
Comment: PHKB: BS1, BS2

Labcorp Genetics (formerly Invitae), Labcorp
Classification: Benign for Glycogen storage disease IXb. Last evaluated: 2026-02-04. Review status: criteria provided, single submitter. Criteria: Invitae Variant Classification Sherloc (09022015). Collection method: clinical testing. Allele origin: germline.

Blueprint Genetics
Classification: Likely benign. Last evaluated: 2024-11-27. Review status: criteria provided, single submitter. Criteria: ACMG Guidelines, 2015. Collection method: clinical testing. Allele origin: germline.

ARUP Laboratories, Molecular Genetics and Genomics, ARUP Laboratories
Classification: Likely benign for Glycogen storage disease IXb. Last evaluated: 2023-10-17. Review status: criteria provided, single submitter. Criteria: ARUP Molecular Germline Variant Investigation Process 2024. Collection method: clinical testing. Allele origin: germline.

Women's Health and Genetics/Laboratory Corporation of America, LabCorp
Classification: Benign. Last evaluated: 2022-02-18. Review status: criteria provided, single submitter. Criteria: LabCorp Variant Classification Summary - May 2015. Collection method: clinical testing. Allele origin: germline.
Comment: Variant summary: PHKB c.500A>G (p.Tyr167Cys) results in a non-conservative amino acid change located in the GH15-like domain (IPR011613) of the encoded protein sequence. Five of five in-silico tools predict a damaging effect of the variant on protein function. The variant allele was found at a frequency of 0.0046 in 251370 control chromosomes in the gnomAD database, including 10 homozygotes. The observed variant frequency is approximately 4-fold of the estimated maximal expected allele frequency for a pathogenic variant in PHKB causing Glycogen Phosphorylase Kinase Deficiency phenotype (0.0011), strongly suggesting that the variant is benign. Four ClinVar submitters (evaluation after 2014) cite the variant as benign/likely benign. Based on the evidence outlined above, the variant was classified as benign.

Illumina Laboratory Services, Illumina
Classification: Likely benign for Glycogen storage disease IXb. Last evaluated: 2018-01-13. Review status: criteria provided, single submitter. Criteria: ICSL Variant Classification Criteria 13 December 2019. Collection method: clinical testing. Allele origin: germline.
Comment: This variant was observed in the ICSL laboratory as part of a predisposition screen in an ostensibly healthy population. It had not been previously curated by ICSL or reported in the Human Gene Mutation Database (HGMD: prior to June 1st, 2018), and was therefore a candidate for classification through an automated scoring system. Utilizing variant allele frequency, disease prevalence and penetrance estimates, and inheritance mode, an automated score was calculated to assess if this variant is too frequent to cause the disease. Based on the score and internal cut-off values, a variant classified as likely benign is not then subjected to further curation. The score for this variant resulted in a classification of likely benign for this disease.

Center for Pediatric Genomic Medicine, Children's Mercy Hospital and Clinics
Classification: Likely benign. Last evaluated: 2016-11-07. Review status: criteria provided, single submitter. Criteria: ACMG Guidelines, 2015. Collection method: clinical testing. Allele origin: germline.
ClinVar note: Converted during submission from Likely Benign to Likely benign.

GeneDx
Classification: Benign. Last evaluated: 2016-03-25. Review status: criteria provided, single submitter. Criteria: GeneDx Variant Classification (06012015). Collection method: clinical testing. Allele origin: germline. Affected: yes.
Comment: This variant is considered likely benign or benign based on one or more of the following criteria: it is a conservative change, it occurs at a poorly conserved position in the protein, it is predicted to be benign by multiple in silico algorithms, and/or has population frequency not consistent with disease.

PreventionGenetics, part of Exact Sciences
Classification: Likely benign for PHKB-related condition. Last evaluated: 2020-03-25. Review status: no assertion criteria provided. Collection method: clinical testing. Allele origin: germline. Not counted in ClinVar's aggregate classification.
Comment: This variant is classified as likely benign based on ACMG/AMP sequence variant interpretation guidelines (Richards et al. 2015 PMID: 25741868, with internal and published modifications).

NM_000293.3(PHKB):c.500A>G (p.Tyr167Cys)

Gene: PHKB (phosphorylase kinase regulatory subunit beta; plus strand). Cytogenetic location: 16q12.1.
Variant type: single nucleotide variant.
Coding change: c.500A>G on transcript NM_000293.3 (MANE Select); coding-DNA position 500, A replaced by G.
Protein change: p.Tyr167Cys; replaces tyrosine 167 with cysteine.
Molecular consequence: missense variant.
Genome position (GRCh38, 1-based): chr16:47,511,759, A>G. VCF-style: chr16-47511759-A-G. GRCh37 (hg19) VCF-style: chr16-47545670-A-G.
Other names: c.479A>G, p.Tyr160Cys (NM_001031835.3); c.500A>G, p.Tyr167Cys (NM_001363837.1); c.479A>G (NM_001031835.2); short protein forms Y167C, Y160C.
Identifiers: ClinVar variation 319336 (VCV000319336.43), dbSNP rs151155518, ClinGen allele CA8040504.
Genomic context (GRCh38, chr16:47,511,759, plus strand): 5'-CATGTCTTCACTCTGTTTTCAATGTGCATACAGGAGATGAGTTGCTTTCCTATGAGGAAT[A>G]TGGTCATCTTCAGGTAAAAAGAGATTATACATTTTATTCTCCTTATATTATATAGCATAG-3'
Protein context (NP_000284.1, residues 157-177): TGDELLSYEE[Tyr167Cys]GHLQINAVSL